The following is an entry in ClinVar:

NM_000038.6(APC):c.4394G>A (p.Ser1465Asn)

Gene: APC (APC regulator of Wnt signaling pathway; plus strand). Cytogenetic location: 5q22.2.
Variant type: single nucleotide variant.
Coding change: c.4394G>A on transcript NM_000038.6 (MANE Select); coding-DNA position 4394, G replaced by A.
Protein change: p.Ser1465Asn; replaces serine 1465 with asparagine.
Molecular consequence: missense variant. On other transcripts: non-coding transcript variant (2).
Genome position (GRCh38, 1-based): chr5:112,839,988, G>A. VCF-style: chr5-112839988-G-A. GRCh37 (hg19) VCF-style: chr5-112175685-G-A.
Other names: c.4424G>A, p.Ser1475Asn (NM_001354897.2); c.4394G>A, p.Ser1465Asn (NM_001127510.3, NM_001354895.2, NM_001407450.1); c.4340G>A, p.Ser1447Asn (NM_001127511.3); c.4448G>A, p.Ser1483Asn (NM_001354896.2, NM_001407447.1, NM_001407448.1 and 1 more transcripts); c.4319G>A, p.Ser1440Asn (NM_001354898.2); c.4310G>A, p.Ser1437Asn (NM_001354899.2); c.4271G>A, p.Ser1424Asn (NM_001354900.2); c.4217G>A, p.Ser1406Asn (NM_001354901.2, NM_001407453.1); and 11 more; short protein forms S1182N, S1424N, S1437N, S1465N, S1483N, S1081N, S1406N, S1447N.
Identifiers: ClinVar variation 2767650 (VCV002767650.3), dbSNP rs2149913622, ClinGen allele CA16030954.

ClinVar aggregate classification (germline): Uncertain significance (1 of 4 stars; one submission).

Conditions:
Familial adenomatous polyposis 1 (FAP1). Also called: POLYPOSIS, ADENOMATOUS INTESTINAL; FAMILIAL ADENOMATOUS POLYPOSIS 1, ATTENUATED. Identifiers: MedGen C2713442, MONDO:0021056, OMIM 175100. Disease mechanism: loss of function.

Submission:

Labcorp Genetics (formerly Invitae), Labcorp
Classification: Uncertain significance for Familial adenomatous polyposis 1. Last evaluated: 2023-10-11. Review status: criteria provided, single submitter. Criteria: Invitae Variant Classification Sherloc (09022015). Collection method: clinical testing. Allele origin: germline.
Comment: This sequence change replaces serine, which is neutral and polar, with asparagine, which is neutral and polar, at codon 1465 of the APC protein (p.Ser1465Asn). This variant is not present in population databases (gnomAD no frequency). This variant has not been reported in the literature in individuals affected with APC-related conditions. Advanced modeling of protein sequence and biophysical properties (such as structural, functional, and spatial information, amino acid conservation, physicochemical variation, residue mobility, and thermodynamic stability) performed at Invitae indicates that this missense variant is not expected to disrupt APC protein function. In summary, the available evidence is currently insufficient to determine the role of this variant in disease. Therefore, it has been classified as a Variant of Uncertain Significance.